The following is an entry in ClinVar:

NM_130839.5(UBE3A):c.2565_2584dup (p.Ala862delinsValLysArgAspCysTer)

Genes: SNHG14 (small nucleolar RNA host gene 14; plus strand), UBE3A (ubiquitin protein ligase E3A; minus strand). Cytogenetic location: 15q11.2.
Variant type: Duplication.
Coding change: c.2565_2584dup on transcript NM_130839.5 (MANE Select); coding-DNA positions 2565 to 2584, 20 bases duplicated (TAAAGAGAGATTGTTGAAGG).
Protein change: p.Ala862delinsValLysArgAspCysTer.
Molecular consequence: nonsense. On other transcripts: non-coding transcript variant (1).
Genome position (GRCh38, 1-based): chr15:25,339,172-25,339,191, CCTTCAACAATCTCTCTTTA duplicated on the plus strand (TAAAGAGAGATTGTTGAAGG on the coding strand, the reverse complement: UBE3A is on the minus strand). VCF-style (leftmost placement, unchanged base first): chr15-25339171-G-GCCTTCAACAATCTCTCTTTA. GRCh37 (hg19) VCF-style: chr15-25584318-G-GCCTTCAACAATCTCTCTTTA.
Other names: c.2574_2593dup, p.Ala865delinsValLysArgAspCysTer (NM_000462.5); c.2565_2584dup, p.Ala862delinsValLysArgAspCysTer (NM_001354505.1, NM_001354538.2); c.2505_2524dup, p.Ala842delinsValLysArgAspCysTer (NM_001354506.2, NM_001354507.2, NM_001354508.2 and 14 more transcripts); c.2409_2428dup, p.Ala810delinsValLysArgAspCysTer (NM_001354545.2); c.2388_2407dup, p.Ala803delinsValLysArgAspCysTer (NM_001354546.2); c.2349_2368dup, p.Ala790delinsValLysArgAspCysTer (NM_001354547.2, NM_001354548.2); c.2340_2359dup, p.Ala787delinsValLysArgAspCysTer (NM_001354549.2); c.1314_1333dup, p.Ala445delinsValLysArgAspCysTer (NM_001354550.2); and 1 more.
Identifiers: ClinVar variation 2853973 (VCV002853973.3), dbSNP rs2552181680, ClinGen allele CA2739278991.

ClinVar aggregate classification (germline): Pathogenic (1 of 4 stars; one submission).

Conditions:
Angelman syndrome (AS). Also called: HAPPY PUPPET SYNDROME. Identifiers: Orphanet 72, MedGen C0162635, MONDO:0007113, OMIM 105830. Disease mechanism: loss of function. Inheritance: AS is caused by disruption of maternally imprinted UBE3A located within the 15q11.2-q13 Angelman syndrome/Prader-Willi syndrome (AS/PWS) region., imprinting disorder.

Submission:

Labcorp Genetics (formerly Invitae), Labcorp
Classification: Pathogenic for Angelman syndrome. Last evaluated: 2023-04-09. Review status: criteria provided, single submitter. Criteria: Invitae Variant Classification Sherloc (09022015). Collection method: clinical testing. Allele origin: germline.
Comment: This sequence change creates a premature translational stop signal (p.Ala842Valfs*6) in the UBE3A gene. While this is not anticipated to result in nonsense mediated decay, it is expected to disrupt the last 11 amino acid(s) of the UBE3A protein. This variant is not present in population databases (gnomAD no frequency). This variant has not been reported in the literature in individuals affected with UBE3A-related conditions. This variant disrupts a region of the UBE3A protein in which other variant(s) (p.Gly850Asp) have been determined to be pathogenic (PMID: 27620904). This suggests that this is a clinically significant region of the protein, and that variants that disrupt it are likely to be disease-causing. For these reasons, this variant has been classified as Pathogenic.

Literature cited by the submitters: PubMed 27620904.